The following is an entry in ClinVar:

ClinVar aggregate classification (germline): Uncertain significance. Review status: criteria provided, multiple submitters, no conflicts (2 of 4 stars). 3 submissions from 3 submitters: Uncertain significance (3). Last evaluated 2025-11-07.

Conditions:
Retinitis pigmentosa 74 (RP74). Identifiers: Orphanet 791, MedGen C4225281, MONDO:0014692, OMIM 616562.
Bardet-Biedl syndrome 2 (BBS2). Identifiers: Orphanet 110, MedGen C2936863, MONDO:0014432, OMIM 615981.
BBS2-related disorder. Also called: BBS2-related condition; BBS2-related disorders. Identifiers: MedGen CN239228.
Bardet-Biedl syndrome (BBS). Identifiers: Orphanet 110, MedGen C0752166, MONDO:0015229.

Allele frequency attached by ClinVar (database versions not stated): gnomAD exomes below 0.00001; gnomAD 0.00003 and 0.00004; TOPMed 0.00004.
gnomAD v4.1: 7 of 1,613,698 alleles (0.00043%); highest among the groups gnomAD compares: African/African-American, 0.008%; no homozygotes.

Submissions (3):

PreventionGenetics, part of Exact Sciences
Classification: Uncertain significance for BBS2-related condition. Last evaluated: 2025-11-07. Review status: criteria provided, single submitter. Criteria: ACMG Guidelines, 2015. Collection method: clinical testing. Allele origin: germline.
Comment: The BBS2 c.61A>G variant is predicted to result in the amino acid substitution p.Ile21Val. To our knowledge, this variant has not been reported in the literature. This variant is reported in 0.011% of alleles in individuals of African descent in gnomAD. At this time, the clinical significance of this variant is uncertain due to the absence of conclusive functional and genetic evidence.

Labcorp Genetics (formerly Invitae), Labcorp
Classification: Uncertain significance for Bardet-Biedl syndrome. Last evaluated: 2024-10-15. Review status: criteria provided, single submitter. Criteria: Invitae Variant Classification Sherloc (09022015). Collection method: clinical testing. Allele origin: germline.
Comment: This sequence change replaces isoleucine, which is neutral and non-polar, with valine, which is neutral and non-polar, at codon 21 of the BBS2 protein (p.Ile21Val). This variant is present in population databases (no rsID available, gnomAD 0.01%). This variant has not been reported in the literature in individuals affected with BBS2-related conditions. ClinVar contains an entry for this variant (Variation ID: 1513973). Invitae Evidence Modeling of protein sequence and biophysical properties (such as structural, functional, and spatial information, amino acid conservation, physicochemical variation, residue mobility, and thermodynamic stability) indicates that this missense variant is not expected to disrupt BBS2 protein function with a negative predictive value of 80%. In summary, the available evidence is currently insufficient to determine the role of this variant in disease. Therefore, it has been classified as a Variant of Uncertain Significance.

Fulgent Genetics
Classification: Uncertain significance for Bardet-Biedl syndrome 2; Retinitis pigmentosa 74. Last evaluated: 2021-09-20. Review status: criteria provided, single submitter. Criteria: ACMG Guidelines, 2015. Collection method: clinical testing. Allele origin: unknown.

NM_031885.5(BBS2):c.61A>G (p.Ile21Val)

Gene: BBS2 (Bardet-Biedl syndrome 2; minus strand). Cytogenetic location: 16q13.
Variant type: single nucleotide variant.
Coding change: c.61A>G on transcript NM_031885.5 (MANE Select); coding-DNA position 61, A replaced by G.
Protein change: p.Ile21Val; replaces isoleucine 21 with valine.
Molecular consequence: missense variant. On other transcripts: non-coding transcript variant (5).
Genome position (GRCh38, 1-based): chr16:56,519,802, T>C on the plus strand (A>G on the coding strand, the complement: BBS2 is on the minus strand). VCF-style: chr16-56519802-T-C. GRCh37 (hg19) VCF-style: chr16-56553714-T-C.
Other names: c.61A>G, p.Ile21Val (NM_001377456.1); c.61A>G (NM_031885.3); short protein forms I21V.
Identifiers: ClinVar variation 1513973 (VCV001513973.8), dbSNP rs1319616745, ClinGen allele CA395988132.